The following is an entry in ClinVar:

NM_004006.3(DMD):c.3747G>T (p.Trp1249Cys)

Gene: DMD (dystrophin; minus strand). Cytogenetic location: Xp21.1.
Variant type: single nucleotide variant.
Coding change: c.3747G>T on transcript NM_004006.3 (MANE Select); coding-DNA position 3747, G replaced by T.
Protein change: p.Trp1249Cys; replaces tryptophan 1249 with cysteine.
Molecular consequence: missense variant.
Genome position (GRCh38, 1-based): chrX:32,448,495, C>A on the plus strand (G>T on the coding strand, the complement: DMD is on the minus strand). VCF-style: chrX-32448495-C-A. GRCh37 (hg19) VCF-style: chrX-32466612-C-A.
Other names: c.3723G>T, p.Trp1241Cys (NM_000109.4); c.3735G>T, p.Trp1245Cys (NM_004009.3); c.3378G>T, p.Trp1126Cys (NM_004010.3); short protein forms W1241C, W1126C, W1245C, W1249C.
Identifiers: ClinVar variation 2150222 (VCV002150222.4), dbSNP rs886043635, ClinGen allele CA412661778.

ClinVar aggregate classification (germline): Uncertain significance (1 of 4 stars; one submission).

Conditions:
Duchenne muscular dystrophy (DMD). Also called: MUSCULAR DYSTROPHY, PSEUDOHYPERTROPHIC PROGRESSIVE, DUCHENNE TYPE; Duchenne Muscular Dystrophy (DMD). Identifiers: Orphanet 98896, MedGen C0013264, MONDO:0010679, OMIM 310200.

Allele frequency attached by ClinVar (database versions not stated): gnomAD exomes below 0.00001; gnomAD 0.00002.
gnomAD v4.1: 4 of 1,206,920 alleles (0.00033%); highest among the groups gnomAD compares: Non-Finnish European, 0.00045%; no homozygotes.

Submission:

Labcorp Genetics (formerly Invitae), Labcorp
Classification: Uncertain significance for Duchenne muscular dystrophy. Last evaluated: 2024-10-23. Review status: criteria provided, single submitter. Criteria: Invitae Variant Classification Sherloc (09022015). Collection method: clinical testing. Allele origin: germline.
Comment: This sequence change replaces tryptophan, which is neutral and slightly polar, with cysteine, which is neutral and slightly polar, at codon 1249 of the DMD protein (p.Trp1249Cys). The frequency data for this variant in the population databases is considered unreliable, as metrics indicate poor data quality at this position in the gnomAD database. This variant has not been reported in the literature in individuals affected with DMD-related conditions. ClinVar contains an entry for this variant (Variation ID: 2150222). Invitae Evidence Modeling of protein sequence and biophysical properties (such as structural, functional, and spatial information, amino acid conservation, physicochemical variation, residue mobility, and thermodynamic stability) indicates that this missense variant is not expected to disrupt DMD protein function with a negative predictive value of 95%. In summary, the available evidence is currently insufficient to determine the role of this variant in disease. Therefore, it has been classified as a Variant of Uncertain Significance.